The following is an entry in ClinVar:

NM_000400.4(ERCC2):c.259C>A (p.Leu87Ile)

Gene: ERCC2 (ERCC excision repair 2, TFIIH core complex helicase subunit; minus strand). Cytogenetic location: 19q13.32.
Variant type: single nucleotide variant.
Coding change: c.259C>A on transcript NM_000400.4 (MANE Select); coding-DNA position 259, C replaced by A.
Protein change: p.Leu87Ile; replaces leucine 87 with isoleucine.
Molecular consequence: missense variant.
Genome position (GRCh38, 1-based): chr19:45,368,731, G>T on the plus strand (C>A on the coding strand, the complement: ERCC2 is on the minus strand). VCF-style: chr19-45368731-G-T. GRCh37 (hg19) VCF-style: chr19-45871989-G-T.
Other names: c.187C>A, p.Leu63Ile (NM_001130867.2); short protein forms L63I, L87I.
Identifiers: ClinVar variation 1793612 (VCV001793612.2), dbSNP rs2514044091, ClinGen allele CA406378788.
Genomic context (GRCh38, chr19:45,368,731, plus strand): 5'-GTCCCAGAAACGGCAGCTTCTCGCCCTCCTGCTTCTCATAGAAGTTGAGCAACTTTCGAA[G>T]CTCTTCAATCACCTACTCCAAAGTTGGGGGGCAGGGGGAGCTTGTGCTCATTGGAGGCAC-3'
Protein context (NP_000391.1, residues 77-97): VPEIEKVIEE[Leu87Ile]RKLLNFYEKQ

ClinVar aggregate classification (germline): Uncertain significance (1 of 4 stars; one submission).

Conditions:
Inborn genetic diseases. Identifiers: MedGen C0950123, MeSH D030342.

Submission:

Ambry Genetics
Classification: Uncertain significance for Inborn genetic diseases. Last evaluated: 2022-02-03. Review status: criteria provided, single submitter. Criteria: Ambry Variant Classification Scheme 2023. Collection method: clinical testing. Allele origin: germline.
Comment: The p.L87I variant (also known as c.259C>A), located in coding exon 5 of the ERCC2 gene, results from a C to A substitution at nucleotide position 259. The leucine at codon 87 is replaced by isoleucine, an amino acid with highly similar properties. This amino acid position is conserved. In addition, the in silico prediction for this alteration is inconclusive. Since supporting evidence is limited at this time, the clinical significance of this alteration remains unclear.